The following is an entry in ClinVar:

NM_001142800.2(EYS):c.7727G>C (p.Cys2576Ser)

Gene: EYS (EGF-like photoreceptor maintenance factor; minus strand). Cytogenetic location: 6q12.
Variant type: single nucleotide variant.
Coding change: c.7727G>C on transcript NM_001142800.2 (MANE Select); coding-DNA position 7727, G replaced by C.
Protein change: p.Cys2576Ser; replaces cysteine 2576 with serine.
Molecular consequence: missense variant.
Genome position (GRCh38, 1-based): chr6:63,778,177, C>G on the plus strand (G>C on the coding strand, the complement: EYS is on the minus strand). VCF-style: chr6-63778177-C-G. GRCh37 (hg19) VCF-style: chr6-64488070-C-G.
Other names: c.7727G>C, p.Cys2576Ser (NM_001292009.2); short protein forms C2576S.
Identifiers: ClinVar variation 2090910 (VCV002090910.4), dbSNP rs2533518022, ClinGen allele CA364390828.

ClinVar aggregate classification (germline): Uncertain significance (1 of 4 stars; one submission).

gnomAD v4.1: 1 of 1,551,746 alleles (0.000064%); highest among the groups gnomAD compares: Non-Finnish European, 0.000087%; no homozygotes.

Submission:

Labcorp Genetics (formerly Invitae), Labcorp
Classification: Uncertain significance. Last evaluated: 2023-11-27. Review status: criteria provided, single submitter. Criteria: Invitae Variant Classification Sherloc (09022015). Collection method: clinical testing. Allele origin: germline.
Comment: This sequence change replaces cysteine, which is neutral and slightly polar, with serine, which is neutral and polar, at codon 2576 of the EYS protein (p.Cys2576Ser). This variant is not present in population databases (gnomAD no frequency). This variant has not been reported in the literature in individuals affected with EYS-related conditions. ClinVar contains an entry for this variant (Variation ID: 2090910). Advanced modeling of protein sequence and biophysical properties (such as structural, functional, and spatial information, amino acid conservation, physicochemical variation, residue mobility, and thermodynamic stability) has been performed at Invitae for this missense variant, however the output from this modeling did not meet the statistical confidence thresholds required to predict the impact of this variant on EYS protein function. In summary, the available evidence is currently insufficient to determine the role of this variant in disease. Therefore, it has been classified as a Variant of Uncertain Significance.